The following is an entry in ClinVar:

ClinVar aggregate classification (germline): Likely pathogenic (1 of 4 stars; one submission).

Conditions:
Lethal congenital contractural syndrome Finnish type.

Submission:

Natera, Inc.
Classification: Likely pathogenic for Lethal congenital contractural syndrome Finnish type. Last evaluated: 2025-05-29. Review status: criteria provided, single submitter. Criteria: Natera Variant Classification Schema (03/2026). Collection method: clinical testing. Allele origin: germline.
Comment: The c.1429C>T variant in GLE1 is a nonsense variant predicted to introduce a stop codon at amino acid 477. This variant is expected to result in nonsense mediated decay, truncation, or a dysfunctional protein product. This variant is rare in the general population with a frequency below the threshold expected for the associated phenotype(s). Given the available evidence, this variant is classified as Likely Pathogenic.

NM_001003722.2(GLE1):c.1429C>T (p.Gln477Ter)

Genes: GLE1 (GLE1 RNA export mediator; plus strand), LOC101929270 (uncharacterized LOC101929270; minus strand). Cytogenetic location: 9q34.11.
Variant type: single nucleotide variant.
Coding change: c.1429C>T on transcript NM_001003722.2 (MANE Select); coding-DNA position 1429, C replaced by T.
Protein change: p.Gln477Ter; replaces glutamine 477 with a stop codon.
Molecular consequence: nonsense.
Genome position (GRCh38, 1-based): chr9:128,533,629, C>T. VCF-style: chr9-128533629-C-T. GRCh37 (hg19) VCF-style: chr9-131295908-C-T.
Other names: c.1456C>T, p.Gln486Ter (NM_001411013.1); c.1429C>T, p.Gln477Ter (NM_001499.2); short protein forms Q477*, Q486*.
Identifiers: ClinVar variation 4068733 (VCV004068733.2).
Genomic context (GRCh38, chr9:128,533,629, plus strand): 5'-GTTCAATCTGGTGGGCGCTCTGTGTCTGTCACACTTAACCCACAGGGGCTGGACTTTGTT[C>T]AATACAAACTGGCAGAGAAATTTGTGGTGAGAAACCTTGTTGCTAGAGGTATGGGAAGCA-3'